The following is an entry in ClinVar:

NM_001139.3(ALOX12B):c.1369T>C (p.Ser457Pro)

Gene: ALOX12B (arachidonate 12-lipoxygenase, 12R type; minus strand). Cytogenetic location: 17p13.1.
Variant type: single nucleotide variant.
Coding change: c.1369T>C on transcript NM_001139.3 (MANE Select); coding-DNA position 1369, T replaced by C.
Protein change: p.Ser457Pro; replaces serine 457 with proline.
Molecular consequence: missense variant.
Genome position (GRCh38, 1-based): chr17:8,076,338, A>G on the plus strand (T>C on the coding strand, the complement: ALOX12B is on the minus strand). VCF-style: chr17-8076338-A-G. GRCh37 (hg19) VCF-style: chr17-7979656-A-G.
Other names: short protein forms S457P.
Identifiers: ClinVar variation 995745 (VCV000995745.4), dbSNP rs1977081175, ClinGen allele CA397991050.
Genomic context (GRCh38, chr17:8,076,338, plus strand): 5'-CATAGGTGAGCTCCGACAGAGCCCGTACCATCACCCCAGCAAAGCCTTCCACGCCCAGGG[A>G]CATGCCCTGTGAGGAAGGAGGCAGATCCTGGAGCCGGACAGGCATCCCTGGAACCCCTTC-3'
Protein context (NP_001130.1, residues 447-467): NEGGLSAKGM[Ser457Pro]LGVEGFAGVM

ClinVar aggregate classification (germline): Uncertain significance. Review status: criteria provided, single submitter (1 of 4 stars). 2 submissions from 2 submitters: Uncertain significance (1). 1 of the submissions does not count toward it. Last evaluated 2024-11-08.

Conditions:
Autosomal recessive congenital ichthyosis 2 (ARCI2). Identifiers: Orphanet 281122, Orphanet 79394, MedGen C3888093, MONDO:0009439, OMIM 242100.

gnomAD v4.1: 2 of 1,602,192 alleles (0.00012%); highest among the groups gnomAD compares: Non-Finnish European, 0.00017%; no homozygotes.

Submissions (2):

Women's Health and Genetics/Laboratory Corporation of America, LabCorp
Classification: Uncertain significance. Last evaluated: 2024-11-08. Review status: criteria provided, single submitter. Criteria: LabCorp Variant Classification Summary - May 2015. Collection method: clinical testing. Allele origin: germline.
Comment: Variant summary: ALOX12B c.1369T>C (p.Ser457Pro) results in a non-conservative amino acid change located in the Lipoxygenase, C-terminal domain (IPR013819) of the encoded protein sequence. Four of five in-silico tools predict a benign effect of the variant on protein function. The variant was absent in 224966 control chromosomes. The available data on variant occurrences in the general population are insufficient to allow any conclusion about variant significance. c.1369T>C has been reported in the literature in at least two compound heterozygous individuals affected with Lamellar Ichthyosis (e.g. Hotz_2021, Diociaiuti_2024). These reports do not provide unequivocal conclusions about association of the variant with Lamellar Ichthyosis. To our knowledge, no experimental evidence demonstrating an impact on protein function has been reported. The following publications have been ascertained in the context of this evaluation (PMID: 38588653, 33435499). ClinVar contains an entry for this variant (Variation ID: 995745). Based on the evidence outlined above, the variant was classified as uncertain significance.

Institute for Human Genetics, University Medical Center Freiburg
Classification: Pathogenic for Autosomal recessive congenital ichthyosis 2. Last evaluated: 2021-01-07. Review status: no assertion criteria provided. Collection method: clinical testing. Allele origin: unknown. Affected: yes. Not counted in ClinVar's aggregate classification.

Literature cited by the submitters: PubMed 33435499 (cited by Women's Health and Genetics/Laboratory Corporation of America, LabCorp); PubMed 38588653 (cited by Women's Health and Genetics/Laboratory Corporation of America, LabCorp).